The following is an entry in ClinVar:

NC_000001.10:g.(?_216591736)_(216592015_?)del

Gene: USH2A (usherin; minus strand). Cytogenetic location: 1q41.
Variant type: Deletion.
Identifiers: ClinVar variation 3248083 (VCV003248083.1).

ClinVar aggregate classification (germline): Pathogenic (1 of 4 stars; one submission).

Submission:

Labcorp Genetics (formerly Invitae), Labcorp
Classification: Pathogenic. Last evaluated: 2020-04-16. Review status: criteria provided, single submitter. Criteria: Invitae Variant Classification Sherloc (09022015). Collection method: clinical testing. Allele origin: unknown.
Comment: This variant has not been reported in the literature in individuals with USH2A-related conditions. This variant results in the deletion of part of exon 3 (c.492_651+120del) of the USH2A gene. It is expected to disrupt RNA splicing and likely results in an absent or disrupted protein product. This variant disrupts the p.Ser180Pro amino acid residue in USH2A. Other variant(s) that disrupt this residue have been determined to be pathogenic (PMID: 19737284, 30029497, 23737954). This suggests that this residue is clinically significant, and that variants that disrupt this residue are likely to be disease-causing. For these reasons, this variant has been classified as Pathogenic. Loss-of-function variants in USH2A are known to be pathogenic (PMID: 10729113, 10909849, 20507924, 25649381).

Literature cited by the submitters: PubMed 19737284; PubMed 30029497; PubMed 23737954; PubMed 10729113; PubMed 10909849; PubMed 20507924; PubMed 25649381.